The following is an entry in ClinVar:

ClinVar aggregate classification (germline): Uncertain significance. Review status: criteria provided, multiple submitters, no conflicts (2 of 4 stars). 2 submissions from 2 submitters: Uncertain significance (2). Last evaluated 2025-08-22.

Conditions:
Hereditary cancer-predisposing syndrome. Also called: Neoplastic Syndromes, Hereditary; Tumor predisposition; Hereditary neoplastic syndrome; Hereditary Cancer Syndrome. Identifiers: Orphanet 140162, MedGen C0027672, MeSH D009386, MONDO:0015356.

Allele frequency attached by ClinVar (database versions not stated): TOPMed below 0.00001.

Submissions (2):

Ambry Genetics
Classification: Uncertain significance for Hereditary cancer-predisposing syndrome. Last evaluated: 2025-08-22. Review status: criteria provided, single submitter. Criteria: Ambry Variant Classification Scheme 2023. Collection method: clinical testing. Allele origin: germline.
Comment: The p.V1452M variant (also known as c.4354G>A), located in coding exon 34 of the POLE gene, results from a G to A substitution at nucleotide position 4354. The valine at codon 1452 is replaced by methionine, an amino acid with highly similar properties. This amino acid position is conserved. In addition, this alteration is predicted to be tolerated by in silico analysis. Based on the available evidence, the clinical significance of this variant remains unclear.

Labcorp Genetics (formerly Invitae), Labcorp
Classification: Uncertain significance. Last evaluated: 2022-10-31. Review status: criteria provided, single submitter. Criteria: Invitae Variant Classification Sherloc (09022015). Collection method: clinical testing. Allele origin: germline.
Comment: This sequence change replaces valine, which is neutral and non-polar, with methionine, which is neutral and non-polar, at codon 1452 of the POLE protein (p.Val1452Met). This variant is not present in population databases (gnomAD no frequency). This variant has not been reported in the literature in individuals affected with POLE-related conditions. ClinVar contains an entry for this variant (Variation ID: 660997). Advanced modeling of protein sequence and biophysical properties (such as structural, functional, and spatial information, amino acid conservation, physicochemical variation, residue mobility, and thermodynamic stability) performed at Invitae indicates that this missense variant is not expected to disrupt POLE protein function. In summary, the available evidence is currently insufficient to determine the role of this variant in disease. Therefore, it has been classified as a Variant of Uncertain Significance.

NM_006231.4(POLE):c.4354G>A (p.Val1452Met)

Gene: POLE (DNA polymerase epsilon, catalytic subunit; minus strand). Cytogenetic location: 12q24.33.
Variant type: single nucleotide variant.
Coding change: c.4354G>A on transcript NM_006231.4 (MANE Select); coding-DNA position 4354, G replaced by A.
Protein change: p.Val1452Met; replaces valine 1452 with methionine.
Molecular consequence: missense variant.
Genome position (GRCh38, 1-based): chr12:132,643,497, C>T on the plus strand (G>A on the coding strand, the complement: POLE is on the minus strand). VCF-style: chr12-132643497-C-T. GRCh37 (hg19) VCF-style: chr12-133220083-C-T.
Other names: c.4354G>A (NM_006231.2); short protein forms V1452M.
Identifiers: ClinVar variation 660997 (VCV000660997.11), dbSNP rs1274067515, ClinGen allele CA387381331.